The following is an entry in ClinVar:

ClinVar aggregate classification (germline): Uncertain significance (1 of 4 stars; one submission).

Conditions:
Duchenne muscular dystrophy (DMD). Also called: MUSCULAR DYSTROPHY, PSEUDOHYPERTROPHIC PROGRESSIVE, DUCHENNE TYPE; Duchenne Muscular Dystrophy (DMD). Identifiers: Orphanet 98896, MedGen C0013264, MONDO:0010679, OMIM 310200.

Submission:

Labcorp Genetics (formerly Invitae), Labcorp
Classification: Uncertain significance for Duchenne muscular dystrophy. Last evaluated: 2024-03-11. Review status: criteria provided, single submitter. Criteria: Invitae Variant Classification Sherloc (09022015). Collection method: clinical testing. Allele origin: germline.
Comment: This sequence change replaces alanine, which is neutral and non-polar, with valine, which is neutral and non-polar, at codon 2718 of the DMD protein (p.Ala2718Val). This variant is not present in population databases (gnomAD no frequency). This variant has not been reported in the literature in individuals affected with DMD-related conditions. Advanced modeling of protein sequence and biophysical properties (such as structural, functional, and spatial information, amino acid conservation, physicochemical variation, residue mobility, and thermodynamic stability) performed at Invitae indicates that this missense variant is not expected to disrupt DMD protein function with a negative predictive value of 95%. In summary, the available evidence is currently insufficient to determine the role of this variant in disease. Therefore, it has been classified as a Variant of Uncertain Significance.

NM_004006.3(DMD):c.8153C>T (p.Ala2718Val)

Gene: DMD (dystrophin; minus strand). Cytogenetic location: Xp21.1.
Variant type: single nucleotide variant.
Coding change: c.8153C>T on transcript NM_004006.3 (MANE Select); coding-DNA position 8153, C replaced by T.
Protein change: p.Ala2718Val; replaces alanine 2718 with valine.
Molecular consequence: missense variant.
Genome position (GRCh38, 1-based): chrX:31,627,737, G>A on the plus strand (C>T on the coding strand, the complement: DMD is on the minus strand). VCF-style: chrX-31627737-G-A. GRCh37 (hg19) VCF-style: chrX-31645854-G-A.
Other names: c.8129C>T, p.Ala2710Val (NM_000109.4); c.8141C>T, p.Ala2714Val (NM_004009.3); c.7784C>T, p.Ala2595Val (NM_004010.3); c.4130C>T, p.Ala1377Val (NM_004011.4); c.4121C>T, p.Ala1374Val (NM_004012.4); c.773C>T, p.Ala258Val (NM_004013.3, NM_004020.4, NM_004021.3 and 2 more transcripts); short protein forms A1377V, A258V, A2710V, A2595V, A2714V, A2718V, A1374V.
Identifiers: ClinVar variation 2959461 (VCV002959461.3), dbSNP rs2528277446, ClinGen allele CA412657187.